The following is an entry in ClinVar:

NM_000081.4(LYST):c.3844A>G (p.Ser1282Gly)

Gene: LYST (lysosomal trafficking regulator; minus strand). Cytogenetic location: 1q42.3.
Variant type: single nucleotide variant.
Coding change: c.3844A>G on transcript NM_000081.4 (MANE Select); coding-DNA position 3844, A replaced by G.
Protein change: p.Ser1282Gly; replaces serine 1282 with glycine.
Molecular consequence: missense variant.
Genome position (GRCh38, 1-based): chr1:235,800,966, T>C on the plus strand (A>G on the coding strand, the complement: LYST is on the minus strand). VCF-style: chr1-235800966-T-C. GRCh37 (hg19) VCF-style: chr1-235964266-T-C.
Other names: c.3844A>G, p.Ser1282Gly (NM_001301365.1); short protein forms S1282G.
Identifiers: ClinVar variation 2099020 (VCV002099020.4), dbSNP rs1672147520, ClinGen allele CA344943631.

ClinVar aggregate classification (germline): Uncertain significance (1 of 4 stars; one submission).

Conditions:
Chédiak-Higashi syndrome (CHS). Also called: Chediak-Higashi Syndrome. Identifiers: Orphanet 167, MedGen C0007965, MONDO:0008963, OMIM 214500.

Allele frequency attached by ClinVar (database versions not stated): gnomAD exomes below 0.00001; TOPMed below 0.00001; gnomAD 0.00001.
gnomAD v4.1: 3 of 1,613,366 alleles (0.00019%); highest among the groups gnomAD compares: African/African-American, 0.0027%; no homozygotes.

Submission:

Labcorp Genetics (formerly Invitae), Labcorp
Classification: Uncertain significance for Chédiak-Higashi syndrome. Last evaluated: 2024-04-16. Review status: criteria provided, single submitter. Criteria: Invitae Variant Classification Sherloc (09022015). Collection method: clinical testing. Allele origin: germline.
Comment: This sequence change replaces serine, which is neutral and polar, with glycine, which is neutral and non-polar, at codon 1282 of the LYST protein (p.Ser1282Gly). This variant is not present in population databases (gnomAD no frequency). This variant has not been reported in the literature in individuals affected with LYST-related conditions. ClinVar contains an entry for this variant (Variation ID: 2099020). Advanced modeling of protein sequence and biophysical properties (such as structural, functional, and spatial information, amino acid conservation, physicochemical variation, residue mobility, and thermodynamic stability) performed at Invitae indicates that this missense variant is not expected to disrupt LYST protein function with a negative predictive value of 80%. In summary, the available evidence is currently insufficient to determine the role of this variant in disease. Therefore, it has been classified as a Variant of Uncertain Significance.